The following is an entry in ClinVar:

NM_024417.5(FDXR):c.1002+2T>A

Gene: FDXR (ferredoxin reductase; minus strand). Cytogenetic location: 17q25.1.
Variant type: single nucleotide variant.
Coding change: c.1002+2T>A on transcript NM_024417.5 (MANE Select); the canonical splice donor site of the intron after coding-DNA position 1002, T replaced by A.
Molecular consequence: splice donor variant.
Genome position (GRCh38, 1-based): chr17:74,864,146, A>T on the plus strand (T>A on the coding strand, the complement: FDXR is on the minus strand). VCF-style: chr17-74864146-A-T. GRCh37 (hg19) VCF-style: chr17-72860268-A-T.
Other names: c.978+2T>A (NM_001258014.4); c.1020+2T>A (NM_004110.6); c.882+2T>A (NM_001258015.3); c.1131+2T>A (NM_001258012.4); c.1095+2T>A (NM_001258013.4); c.846+2T>A (NM_001258016.3).
Identifiers: ClinVar variation 4795216 (VCV004795216.1).
Genomic context (GRCh38, chr17:74,864,146, plus strand): 5'-GCAACACCAGGCGGGTGGCAGAGGCCTGGGAAGGGGGTGTCTTTGGGAAACATGAGACTC[A>T]CCTCCAGTCTAGTGACTGCTAGGCGGACACCTGCTGCCCGCCGCCCATCTGGTGAGGGCA-3'

ClinVar aggregate classification (germline): Likely pathogenic (1 of 4 stars; one submission).

Conditions:
Auditory neuropathy-optic atrophy syndrome. Also called: MULTIPLE MITOCHONDRIAL DYSFUNCTIONS SYNDROME 9A; AUDITORY NEUROPATHY AND OPTIC ATROPHY. Identifiers: Orphanet 542585, MedGen C4521678, MONDO:0060582, OMIM 617717.

Submission:

Department of Clinical Genetics, Copenhagen University Hospital, Rigshospitalet
Classification: Likely pathogenic for Auditory neuropathy-optic atrophy syndrome. Last evaluated: 2025-12-01. Review status: criteria provided, single submitter. Criteria: ACMG Guidelines, 2015. Collection method: clinical testing. Allele origin: inherited. Affected: yes. Observed: 1 variant allele.
Comment: PVS1_strong (RNA) + PM2_supporting + PS1_supporting. Confirmed in trans with NM_024417.5(FDXR):c.685C>T (VCV001343028.22) (VUS).